The following is an entry in ClinVar:

ClinVar aggregate classification (germline): Pathogenic/Likely pathogenic. Review status: criteria provided, multiple submitters, no conflicts (2 of 4 stars). 4 submissions from 4 submitters: Pathogenic (2); Likely pathogenic (1). 1 of the submissions does not count toward it. Last evaluated 2024-03-11.

Conditions:
Bardet-Biedl syndrome 22 (BBS22). Identifiers: MedGen C5561936, MONDO:0014926, OMIM 617119.
IFT74-related disorder. Also called: IFT74-Related Disorders; IFT74-related condition.
Joubert syndrome 40. Identifiers: MedGen C5562007, MONDO:0030462, OMIM 619582.

Allele frequency attached by ClinVar (database versions not stated): gnomAD exomes below 0.00001; gnomAD 0.00001; TOPMed 0.00003.
gnomAD v4.1: 6 of 1,582,776 alleles (0.00038%); highest among the groups gnomAD compares: Admixed American, 0.0037%; no homozygotes.

Submissions (4):

Labcorp Genetics (formerly Invitae), Labcorp
Classification: Pathogenic. Last evaluated: 2024-03-11. Review status: criteria provided, single submitter. Criteria: Invitae Variant Classification Sherloc (09022015). Collection method: clinical testing. Allele origin: germline.
Comment: This sequence change creates a premature translational stop signal (p.Glu120*) in the IFT74 gene. It is expected to result in an absent or disrupted protein product. Loss-of-function variants in IFT74 are known to be pathogenic (PMID: 33531668). This variant is present in population databases (no rsID available, gnomAD 0.0009%). This variant has not been reported in the literature in individuals affected with IFT74-related conditions. ClinVar contains an entry for this variant (Variation ID: 1925311). For these reasons, this variant has been classified as Pathogenic.

3billion
Classification: Pathogenic for Bardet-Biedl syndrome 22. Last evaluated: 2023-08-28. Review status: criteria provided, single submitter. Criteria: ACMG Guidelines, 2015. Collection method: clinical testing. Allele origin: germline. Affected: yes.
Comment: The variant is observed at an extremely low frequency in the gnomAD v2.1.1 dataset (total allele frequency: 0.000%). Predicted Consequence/Location: Stop-gained (nonsense): predicted to result in a loss or disruption of normal protein function through nonsense-mediated decay (NMD) or protein truncation. Multiple pathogenic variants are reported downstream of the variant. The variant has been reported at least twice as pathogenic without evidence for the classification (ClinVar ID: VCV001925311). Therefore, this variant is classified as Pathogenic according to the recommendation of ACMG/AMP guideline.

Baylor Genetics
Classification: Likely pathogenic for Joubert syndrome 40. Last evaluated: 2022-04-14. Review status: criteria provided, single submitter. Criteria: ACMG Guidelines, 2015. Collection method: clinical testing. Allele origin: unknown.

PreventionGenetics, part of Exact Sciences
Classification: Likely pathogenic for IFT74-related condition. Last evaluated: 2024-03-15. Review status: no assertion criteria provided. Collection method: clinical testing. Allele origin: germline. Not counted in ClinVar's aggregate classification.
Comment: The IFT74 c.358G>T variant is predicted to result in premature protein termination (p.Glu120*). To our knowledge, this variant has not been reported in literature. This variant is reported in 0.00092% of alleles in individuals of European (Non-Finnish) descent in gnomAD. Nonsense variants in IFT74 are expected to be pathogenic. This variant is interpreted as likely pathogenic.

Literature cited by the submitters: PubMed 33531668 (cited by Labcorp Genetics (formerly Invitae), Labcorp).

NM_025103.4(IFT74):c.358G>T (p.Glu120Ter)

Gene: IFT74 (intraflagellar transport 74; plus strand). Cytogenetic location: 9p21.2.
Variant type: single nucleotide variant.
Coding change: c.358G>T on transcript NM_025103.4 (MANE Select); coding-DNA position 358, G replaced by T.
Protein change: p.Glu120Ter; replaces glutamic acid 120 with a stop codon.
Molecular consequence: nonsense.
Genome position (GRCh38, 1-based): chr9:26,984,309, G>T. VCF-style: chr9-26984309-G-T. GRCh37 (hg19) VCF-style: chr9-26984307-G-T.
Other names: c.358G>T, p.Glu120Ter (NM_001099222.3, NM_001099223.3, NM_001099224.3 and 1 more transcripts); c.358G>T (NM_025103.2); short protein forms E120*.
Identifiers: ClinVar variation 1925311 (VCV001925311.8), dbSNP rs1391036863, ClinGen allele CA373127516.